The following is an entry in ClinVar:

NM_001939.3(DRP2):c.371A>T (p.Glu124Val)

Gene: DRP2 (dystrophin related protein 2; plus strand). Cytogenetic location: Xq22.1.
Variant type: single nucleotide variant.
Coding change: c.371A>T on transcript NM_001939.3 (MANE Select); coding-DNA position 371, A replaced by T.
Protein change: p.Glu124Val; replaces glutamic acid 124 with valine.
Molecular consequence: missense variant.
Genome position (GRCh38, 1-based): chrX:101,237,708, A>T. VCF-style: chrX-101237708-A-T. GRCh37 (hg19) VCF-style: chrX-100492697-A-T.
Other names: c.137A>T, p.Glu46Val (NM_001171184.2); short protein forms E124V, E46V.
Identifiers: ClinVar variation 2833543 (VCV002833543.3), dbSNP rs2523061978, ClinGen allele CA413912687.

ClinVar aggregate classification (germline): Uncertain significance (1 of 4 stars; one submission).

Submission:

Labcorp Genetics (formerly Invitae), Labcorp
Classification: Uncertain significance. Last evaluated: 2023-02-01. Review status: criteria provided, single submitter. Criteria: Invitae Variant Classification Sherloc (09022015). Collection method: clinical testing. Allele origin: germline.
Comment: Advanced modeling of protein sequence and biophysical properties (such as structural, functional, and spatial information, amino acid conservation, physicochemical variation, residue mobility, and thermodynamic stability) has been performed at Invitae for this missense variant, however the output from this modeling did not meet the statistical confidence thresholds required to predict the impact of this variant on DRP2 protein function. In summary, the available evidence is currently insufficient to determine the role of this variant in disease. Therefore, it has been classified as a Variant of Uncertain Significance. This variant has not been reported in the literature in individuals affected with DRP2-related conditions. This variant is not present in population databases (gnomAD no frequency). This sequence change replaces glutamic acid, which is acidic and polar, with valine, which is neutral and non-polar, at codon 124 of the DRP2 protein (p.Glu124Val).